The following is an entry in ClinVar:

ClinVar aggregate classification (germline): Uncertain significance (1 of 4 stars; one submission).

Submission:

Women's Health and Genetics/Laboratory Corporation of America, LabCorp
Classification: Uncertain significance. Last evaluated: 2025-11-12. Review status: criteria provided, single submitter. Criteria: LabCorp Variant Classification Summary - May 2015. Collection method: clinical testing. Allele origin: germline.
Comment: Variant summary: The variant involves the duplication of exons 1-46 in the MPDZ gene. A presumed nomenclature of c.(?_-351)_(*1259_?)dup has been designated for the purposes of this classification. This duplication includes the entire coding sequence of the gene. As exact breakpoints are unknown, it may extend beyond the annotated region of the gene, to include other flanking genes. The variant was absent in 21694 control chromosomes. The available data on variant occurrences in the general population are insufficient to allow any conclusion about variant significance. To our knowledge, no occurrence of c.(?_-351)_(*1259_?)dup in individuals affected with MPDZ-related conditions and no experimental evidence demonstrating its impact on protein function have been reported. No submitters have cited clinical-significance assessments for this variant to ClinVar. Based on the evidence outlined above, the variant was classified as uncertain significance.

NC_000009.11:g.(?_13105705)_(13279692_?)dup

Gene: MPDZ (multiple PDZ domain crumbs cell polarity complex component; minus strand). Cytogenetic location: 9p23.
Variant type: Duplication.
Identifiers: ClinVar variation 4536776 (VCV004536776.1).